The following continues an entry in ClinVar:

NM_000492.4(CFTR):c.3700A>G (p.Ile1234Val)

ClinVar aggregate classification (germline): Pathogenic. Pathogenic (1).

Submissions 15 to 18 of 18:

Ambry Genetics
Classification: Pathogenic for Cystic fibrosis. Last evaluated: 2017-01-12. Review status: criteria provided, single submitter. Criteria: Ambry Variant Classification Scheme 2023. Collection method: clinical testing. Allele origin: germline. Not counted in ClinVar's aggregate classification.
Comment: The p.I1234V pathogenic mutation (also known as c.3700A>G), located in coding exon 22 of the CFTR gene, results from an A to G substitution at nucleotide position 3700. The isoleucine at codon 1234 is replaced by valine. This mutation is the second most common CF-causing mutation in the Middle East (Molinski SV et al. Genet Med. 2014;16(8):625-32). In a large cohort of individuals homozygous for this mutation, this mutation was associated with pancreatic sufficiency (Abdel Rahman H et al. Acta Paediatr. 2006;95(9):1066-9). An in vitro functional study using reverse transcriptase-PCR found this mutation activates a cryptic donor splice site and results in the deletion of six amino acids (p.I1234_R1239del); this deletion causes a primary defect in protein folding and processing, similar to p.F508del but less severe (Molinski SV et al. Genet Med. 2014;16(8):625-32). A later study confirmed the alternative splicing described, through both an ex vivo study of RNA levels in nasal and colon epithelial cells from a CF patient, and a minigene assay using BHK cells. Furthermore, functional analysis showed reduced chloride channel function by the mutant protein (Ramalho AS, J. Cyst. Fibros. 2016 Jan; 15(1):21-33). Based on the supporting evidence, p.I1234V is interpreted as a disease-causing mutation.

PreventionGenetics, part of Exact Sciences
Classification: Pathogenic for CFTR-related condition. Last evaluated: 2024-05-10. Review status: no assertion criteria provided. Collection method: clinical testing. Allele origin: germline. Not counted in ClinVar's aggregate classification.
Comment: The CFTR c.3700A>G variant is predicted to result in the amino acid substitution p.Ile1234Val. This variant has been reported in numerous patients with cystic fibrosis or CFTR-associated phenotypes (Hirtz et al. 2004. PubMed ID: 15480987; Wei et al. 2006. PubMed ID: 16617247; Molinski et al. 2014. PubMed ID: 24556927; El Bar Aluma et al. 2020. PubMed ID: 32843167). Functional studies showed that this variant alters splicing by activating an alternative splice site leading to a deletion of six amino acids and impacts protein function (Hirtz et al. 2004. PubMed ID: 15480987; Molinski et al. 2014. PubMed ID: 24556927; Ramalho et al. 2016. PubMed ID: 25735457). This variant is reported in 0.00089% of alleles in individuals of European (Non-Finnish) descent in gnomAD. This variant is interpreted as pathogenic.

Biochemical Molecular Genetic Laboratory, King Abdulaziz Medical City
Classification: Pathogenic for Cystic fibrosis. Last evaluated: 2019-09-26. Review status: no assertion criteria provided. Collection method: clinical testing. Allele origin: germline. Affected: yes. Not counted in ClinVar's aggregate classification.

OMIM
Classification: Pathogenic for CYSTIC FIBROSIS. Last evaluated: 1993-01-01. Review status: no assertion criteria provided. Collection method: literature only. Allele origin: germline. Not counted in ClinVar's aggregate classification.

Literature cited by the submitters: PubMed 10605524 (cited by Labcorp Genetics (formerly Invitae), Labcorp); PubMed 11336127 (cited by Labcorp Genetics (formerly Invitae), Labcorp and Quest Diagnostics Nichols Institute San Juan Capistrano); PubMed 15698946 (cited by Labcorp Genetics (formerly Invitae), Labcorp); PubMed 15948195 (cited by Labcorp Genetics (formerly Invitae), Labcorp and Quest Diagnostics Nichols Institute San Juan Capistrano); PubMed 21909392 (cited by Labcorp Genetics (formerly Invitae), Labcorp); PubMed 25593612 (cited by Labcorp Genetics (formerly Invitae), Labcorp); PubMed 26096753 (cited by 3 submitters); PubMed 15480987 (cited by Labcorp Genetics (formerly Invitae), Labcorp); PubMed 24556927 (cited by 5 submitters); PubMed 25735457 (cited by 3 submitters); PubMed 26826884 (cited by Natera, Inc.); PubMed 10834512 (cited by Natera, Inc.); PubMed 1284537 (cited by 3 submitters); PubMed 16938751 (cited by Quest Diagnostics Nichols Institute San Juan Capistrano and Ambry Genetics); PubMed 7504969 (cited by Quest Diagnostics Nichols Institute San Juan Capistrano and OMIM); PubMed 12630722 (cited by Quest Diagnostics Nichols Institute San Juan Capistrano and Mayo Clinic Laboratories, Mayo Clinic); PubMed 25093022 (cited by Quest Diagnostics Nichols Institute San Juan Capistrano and Women's Health and Genetics/Laboratory Corporation of America, LabCorp); PubMed 9429141 (cited by Quest Diagnostics Nichols Institute San Juan Capistrano); PubMed 23974870 (cited by 3 submitters); PubMed 11924117 (cited by Quest Diagnostics Nichols Institute San Juan Capistrano); PubMed 18456578 (cited by Quest Diagnostics Nichols Institute San Juan Capistrano and Women's Health and Genetics/Laboratory Corporation of America, LabCorp); PubMed 21520337 (cited by Quest Diagnostics Nichols Institute San Juan Capistrano and Women's Health and Genetics/Laboratory Corporation of America, LabCorp); PubMed 25489051 (cited by Quest Diagnostics Nichols Institute San Juan Capistrano); PubMed 31130284 (cited by Quest Diagnostics Nichols Institute San Juan Capistrano); PubMed 32843167 (cited by Quest Diagnostics Nichols Institute San Juan Capistrano); PubMed 32300549 (cited by Quest Diagnostics Nichols Institute San Juan Capistrano); PubMed 34377682 (cited by Quest Diagnostics Nichols Institute San Juan Capistrano); PubMed 36238659 (cited by Quest Diagnostics Nichols Institute San Juan Capistrano); PubMed 16617247 (cited by Women's Health and Genetics/Laboratory Corporation of America, LabCorp).